The following is an entry in ClinVar:

ClinVar aggregate classification (germline): Uncertain significance. Review status: criteria provided, multiple submitters, no conflicts (2 of 4 stars). 2 submissions from 2 submitters: Uncertain significance (2). Last evaluated 2026-01-26.

Conditions:
Inborn genetic diseases. Identifiers: MedGen C0950123, MeSH D030342.

Allele frequency attached by ClinVar (database versions not stated): gnomAD 0.00001; gnomAD exomes below 0.00001; TOPMed 0.00001.
gnomAD v4.1: 2 of 1,158,063 alleles (0.00017%); highest among the groups gnomAD compares: Non-Finnish European, 0.00024%; no homozygotes.

Submissions (2):

Labcorp Genetics (formerly Invitae), Labcorp
Classification: Uncertain significance. Last evaluated: 2026-01-26. Review status: criteria provided, single submitter. Criteria: Invitae Variant Classification Sherloc (09022015). Collection method: clinical testing. Allele origin: germline.
Comment: This sequence change replaces glycine, which is neutral and non-polar, with serine, which is neutral and polar, at codon 279 of the GPR143 protein (p.Gly279Ser). This variant is not present in population databases (gnomAD no frequency). This variant has not been reported in the literature in individuals affected with GPR143-related conditions. ClinVar contains an entry for this variant (Variation ID: 2335495). Invitae Evidence Modeling of protein sequence and biophysical properties (such as structural, functional, and spatial information, amino acid conservation, physicochemical variation, residue mobility, and thermodynamic stability) indicates that this missense variant is not expected to disrupt GPR143 protein function with a negative predictive value of 95%. In summary, the available evidence is currently insufficient to determine the role of this variant in disease. Therefore, it has been classified as a Variant of Uncertain Significance.

Ambry Genetics
Classification: Uncertain significance for Inborn genetic diseases. Last evaluated: 2022-12-15. Review status: criteria provided, single submitter. Criteria: Ambry Variant Classification Scheme 2023. Collection method: clinical testing. Allele origin: germline.

NM_000273.3(GPR143):c.835G>A (p.Gly279Ser)

Gene: GPR143 (G protein-coupled receptor 143; minus strand). Cytogenetic location: Xp22.2.
Variant type: single nucleotide variant.
Coding change: c.835G>A on transcript NM_000273.3 (MANE Select); coding-DNA position 835, G replaced by A.
Protein change: p.Gly279Ser; replaces glycine 279 with serine.
Molecular consequence: missense variant.
Genome position (GRCh38, 1-based): chrX:9,741,388, C>T on the plus strand (G>A on the coding strand, the complement: GPR143 is on the minus strand). VCF-style: chrX-9741388-C-T. GRCh37 (hg19) VCF-style: chrX-9709428-C-T.
Other names: short protein forms G279S.
Identifiers: ClinVar variation 2335495 (VCV002335495.4), dbSNP rs2083403420, ClinGen allele CA411995925.